The following is an entry in ClinVar:

ClinVar aggregate classification (germline): Uncertain significance (1 of 4 stars; one submission).

Conditions:
GM1 gangliosidosis. Identifiers: Orphanet 354, MedGen C0085131, MONDO:0018149.
Mucopolysaccharidosis, MPS-IV-B (MPS4B). Also called: MORQUIO SYNDROME B; Mucopolysaccharidosis Type IVB (Morquio B Disease); Mucopolysaccharidosis type 4B; Mucopolysaccharidosis type IVB (Morquio); MPS IVB; Mucopolysaccharidosis type IV B. Identifiers: Orphanet 309310, Orphanet 582, MedGen C0086652, MONDO:0009660, OMIM 253010.

gnomAD v4.1: 7 of 1,613,994 alleles (0.00043%); highest among the groups gnomAD compares: Admixed American, 0.0017%; no homozygotes.

Submission:

Labcorp Genetics (formerly Invitae), Labcorp
Classification: Uncertain significance for Mucopolysaccharidosis, MPS-IV-B; GM1 gangliosidosis. Last evaluated: 2022-09-27. Review status: criteria provided, single submitter. Criteria: Invitae Variant Classification Sherloc (09022015). Collection method: clinical testing. Allele origin: germline.
Comment: This sequence change replaces leucine, which is neutral and non-polar, with valine, which is neutral and non-polar, at codon 436 of the GLB1 protein (p.Leu436Val). This variant is not present in population databases (gnomAD no frequency). This variant has not been reported in the literature in individuals affected with GLB1-related conditions. ClinVar contains an entry for this variant (Variation ID: 1444178). Advanced modeling of protein sequence and biophysical properties (such as structural, functional, and spatial information, amino acid conservation, physicochemical variation, residue mobility, and thermodynamic stability) performed at Invitae indicates that this missense variant is not expected to disrupt GLB1 protein function. In summary, the available evidence is currently insufficient to determine the role of this variant in disease. Therefore, it has been classified as a Variant of Uncertain Significance.

NM_000404.4(GLB1):c.1306C>G (p.Leu436Val)

Gene: GLB1 (galactosidase beta 1; minus strand). Cytogenetic location: 3p22.3.
Variant type: single nucleotide variant.
Coding change: c.1306C>G on transcript NM_000404.4 (MANE Select); coding-DNA position 1306, C replaced by G.
Protein change: p.Leu436Val; replaces leucine 436 with valine.
Molecular consequence: missense variant.
Genome position (GRCh38, 1-based): chr3:33,018,489, G>C on the plus strand (C>G on the coding strand, the complement: GLB1 is on the minus strand). VCF-style: chr3-33018489-G-C. GRCh37 (hg19) VCF-style: chr3-33059981-G-C.
Other names: c.1216C>G, p.Leu406Val (NM_001079811.3); c.913C>G, p.Leu305Val (NM_001135602.3); c.1450C>G, p.Leu484Val (NM_001317040.2); c.1306C>G, p.Leu436Val (NM_001393580.1); short protein forms L305V, L436V, L484V, L406V.
Identifiers: ClinVar variation 1444178 (VCV001444178.3), dbSNP rs34421970, ClinGen allele CA351992215.